The following is an entry in ClinVar:

NM_172364.5(CACNA2D4):c.*1336C>A

Gene: CACNA2D4 (calcium voltage-gated channel auxiliary subunit alpha2delta 4; minus strand). Cytogenetic location: 12p13.33.
Variant type: single nucleotide variant.
Coding change: c.*1336C>A on transcript NM_172364.5 (MANE Select); 1336 bases downstream of the stop codon, C replaced by A.
Molecular consequence: 3 prime UTR variant.
Genome position (GRCh38, 1-based): chr12:1,792,319, G>T on the plus strand (C>A on the coding strand, the complement: CACNA2D4 is on the minus strand). VCF-style: chr12-1792319-G-T. GRCh37 (hg19) VCF-style: chr12-1901485-G-T.
Other names: NC_000012.11:g.1901485G>T.
Identifiers: ClinVar variation 307806 (VCV000307806.7), dbSNP rs1044825, ClinGen allele CA10641473.
Genomic context (GRCh38, chr12:1,792,319, plus strand): 5'-TTAATACTGCCCTCACAGGGTTGTTGCAAGACATGACGGTAAGAGTGACATTCTGTAACC[G>T]ATAATGTAAGTGTGTTTTACAGAGTTGGCATTTGGCCTACTCTAGAGGCAAGTTAGGGCT-3'

ClinVar aggregate classification (germline): Benign. Review status: criteria provided, multiple submitters, no conflicts (2 of 4 stars). 2 submissions from 2 submitters: Benign (2). Last evaluated 2018-01-13.

Conditions:
Retinal cone dystrophy 4 (RCD4). Identifiers: Orphanet 1872, MedGen C1864849, MONDO:0012507, OMIM 610478.

Allele frequency attached by ClinVar (database versions not stated): 1000 Genomes Project 30x 0.36743; 1000 Genomes Project 0.37460; TOPMed 0.41418; gnomAD 0.45063; gnomAD exomes 0.75000.
gnomAD v4.1: 66,429 of 152,160 alleles (44%); highest among the groups gnomAD compares: Non-Finnish European, 56%; 16,621 homozygotes.

Submissions (7):

Illumina Laboratory Services, Illumina
Classification: Benign for Retinal cone dystrophy 4. Last evaluated: 2018-01-13. Review status: criteria provided, single submitter. Criteria: ICSL Variant Classification Criteria 13 December 2019. Collection method: clinical testing. Allele origin: germline.
Comment: This variant was observed in the ICSL laboratory as part of a predisposition screen in an ostensibly healthy population. It had not been previously curated by ICSL or reported in the Human Gene Mutation Database (HGMD: prior to June 1st, 2018), and was therefore a candidate for classification through an automated scoring system. Utilizing variant allele frequency, disease prevalence and penetrance estimates, and inheritance mode, an automated score was calculated to assess if this variant is too frequent to cause the disease. Based on the score and internal cut-off values, a variant classified as benign is not then subjected to further curation. The score for this variant resulted in a classification of benign for this disease.

Breakthrough Genomics
Classification: Benign. Review status: criteria provided, single submitter. Criteria: ACMG Guidelines, 2015. Collection method: not provided. Allele origin: germline. Inheritance: Autosomal recessive inheritance. Affected: yes.

Dr. Peter K. Rogan Lab, Western University
No classification provided (evidence only). Condition: Cervical cancer. Review status: no classification provided. Collection method: in vitro. Allele origin: not applicable. Functional consequence: retained intron. Not counted in ClinVar's aggregate classification.

Dr. Peter K. Rogan Lab, Western University
No classification provided (evidence only). Condition: Cervical cancer. Review status: no classification provided. Collection method: in vitro. Allele origin: not applicable. Functional consequence: retained intron. Not counted in ClinVar's aggregate classification.

Dr. Peter K. Rogan Lab, Western University
No classification provided (evidence only). Condition: Sarcoma. Review status: no classification provided. Collection method: in vitro. Allele origin: not applicable. Functional consequence: retained intron. Not counted in ClinVar's aggregate classification.

Dr. Peter K. Rogan Lab, Western University
No classification provided (evidence only). Condition: Gastric cancer. Review status: no classification provided. Collection method: in vitro. Allele origin: not applicable. Functional consequence: retained intron. Not counted in ClinVar's aggregate classification.

Dr. Peter K. Rogan Lab, Western University
No classification provided (evidence only). Condition: Gastric cancer. Review status: no classification provided. Collection method: in vitro. Allele origin: not applicable. Functional consequence: retained intron. Not counted in ClinVar's aggregate classification.